The following is an entry in ClinVar:

ClinVar aggregate classification (germline): Likely pathogenic (1 of 4 stars; one submission).

Conditions:
Autosomal recessive limb-girdle muscular dystrophy type 2J (LGMDR10). Also called: Limb-girdle muscular dystrophy, type 2J; MUSCULAR DYSTROPHY, LIMB-GIRDLE, AUTOSOMAL RECESSIVE 10. Identifiers: Orphanet 140922, MedGen C1837342, MONDO:0012127, OMIM 608807.
Dilated cardiomyopathy 1G (CMD1G). Identifiers: Orphanet 154, MedGen C1858763, MONDO:0011400, OMIM 604145.

Submission:

Labcorp Genetics (formerly Invitae), Labcorp
Classification: Likely pathogenic for Dilated cardiomyopathy 1G; Autosomal recessive limb-girdle muscular dystrophy type 2J. Last evaluated: 2025-11-01. Review status: criteria provided, single submitter. Criteria: Invitae Variant Classification Sherloc (09022015). Collection method: clinical testing. Allele origin: germline.
Comment: This sequence change creates a premature translational stop signal (p.Lys11113Leufs*5) in the TTN gene. While this is not anticipated to result in nonsense mediated decay, it is expected to create a truncated TTN protein. This variant is not present in population databases (gnomAD no frequency). This variant has not been reported in the literature in individuals affected with TTN-related conditions. This variant is located in the I band of TTN (PMID: 25589632). Truncating variants in this region have been reported in individuals affected with autosomal recessive centronuclear myopathy (PMID: 23975875, internal data). Truncating variants in this region have also been identified in individuals affected with autosomal dominant dilated cardiomyopathy and/or cardio-related conditions (PMID: 27869827, 32964742, internal data). In summary, the currently available evidence indicates that the variant is pathogenic, but additional data are needed to prove that conclusively. Therefore, this variant has been classified as Likely Pathogenic.

Literature cited by the submitters: PubMed 25589632; PubMed 23975875; PubMed 27869827; PubMed 32964742.

NM_001267550.2(TTN):c.33335_33336dup (p.Lys11113fs)

Gene: TTN (titin; minus strand). Cytogenetic location: 2q31.2.
Variant type: Duplication.
Coding change: c.33335_33336dup on transcript NM_001267550.2 (MANE Select); coding-DNA positions 33335 to 33336, 2 bases duplicated (CT; older notation c.33335_33336dupCT).
Protein change: p.Lys11113fs; shifts the reading frame from lysine 11113.
Molecular consequence: frameshift variant. On other transcripts: intron variant (3).
Genome position (GRCh38, 1-based): chr2:178,681,083-178,681,084, AG duplicated on the plus strand (CT on the coding strand, the reverse complement: TTN is on the minus strand). VCF-style (leftmost placement, unchanged base first): chr2-178681082-T-TAG. GRCh37 (hg19) VCF-style: chr2-179545809-T-TAG.
Other names: c.32384_32385dup, p.Lys10796fs (NM_001256850.1); c.29603_29604dup, p.Lys9869fs (NM_133378.4); c.13283-38767_13283-38766dup (NM_003319.4); c.13859-38767_13859-38766dup (NM_133437.4); c.13658-38767_13658-38766dup (NM_133432.3); short protein forms K10796fs, K11113fs, K9869fs.
Identifiers: ClinVar variation 4786582 (VCV004786582.1).
Genomic context (GRCh38, chr2:178,681,082, plus strand): 5'-ATTAATTTCAAAAGAGGCATCAGAAAAGATCACAATCGAGGAAGGAAATCATTATACCTT[T>TAG]AGCAGCGGGTTCAGTCACCTGCTCTTTTTCACGTTTGGTAATTGAAATACGTATTTTTTC-3'